The following is an entry in ClinVar:

ClinVar aggregate classification (germline): Uncertain significance (1 of 4 stars; one submission).

Allele frequency attached by ClinVar (database versions not stated): ExAC 0.00001; gnomAD 0.00002 and 0.00003; TOPMed 0.00002.
gnomAD v4.1: 16 of 1,612,852 alleles (0.00099%); highest among the groups gnomAD compares: African/African-American, 0.0053%; no homozygotes.

Submission:

GeneDx
Classification: Uncertain significance. Last evaluated: 2017-01-12. Review status: criteria provided, single submitter. Criteria: GeneDx Variant Classification (06012015). Collection method: clinical testing. Allele origin: germline. Affected: yes.
Comment: The c.2348 A>G variant has not been published as a pathogenic variant, nor has it been reported as a benign variant to our knowledge. This variant is not observed at a significant frequency in large population cohorts (Lek et al., 2016; 1000 Genomes Consortium et al., 2015; Exome Variant Server). Multiple in silico models predict that the c.2348 A>G variant may create a cryptic splice donor site in exon 18 that may supplant the natural donor site and lead to abnormal gene splicing. However, in the absence of RNA/functional studies, the actual effect of this sequence change in this individual is unknown. If the c.2348 A>G variant does not alter normal gene splicing, it will result in the D783G missense substitution. The D783G variant is a non-conservative amino acid substitution that occurs at a position that is conserved across species, and in silico analysis predicts this variant is probably damaging to the protein structure/function. Therefore, based on the currently available information, it is unclear whether this variant is a pathogenic variant or a rare benign variant.

NM_015386.3(COG4):c.2348A>G (p.Asp783Gly)

Gene: COG4 (component of oligomeric golgi complex 4; minus strand). Cytogenetic location: 16q22.1.
Variant type: single nucleotide variant.
Coding change: c.2348A>G on transcript NM_015386.3 (MANE Select); coding-DNA position 2348, A replaced by G.
Protein change: p.Asp783Gly; replaces aspartic acid 783 with glycine.
Molecular consequence: missense variant. On other transcripts: non-coding transcript variant (1).
Genome position (GRCh38, 1-based): chr16:70,481,032, T>C on the plus strand (A>G on the coding strand, the complement: COG4 is on the minus strand). VCF-style: chr16-70481032-T-C. GRCh37 (hg19) VCF-style: chr16-70514935-T-C.
Other names: c.2273A>G, p.Asp758Gly (NM_001195139.2); c.1922A>G, p.Asp641Gly (NM_001365426.1); short protein forms D783G, D758G, D641G.
Identifiers: ClinVar variation 392502 (VCV000392502.2), dbSNP rs765871294, ClinGen allele CA8143958.